The following is an entry in ClinVar:

ClinVar aggregate classification (germline): Uncertain significance. Review status: criteria provided, multiple submitters, no conflicts (2 of 4 stars). 2 submissions from 2 submitters: Uncertain significance (2). Last evaluated 2025-08-26.

Conditions:
Cardiovascular phenotype. Identifiers: MedGen CN230736.
Long QT syndrome (LQTS). Identifiers: MedGen C0023976, MeSH D008133, MONDO:0002442. Disease mechanism: loss of function. Inheritance: Various modes of inheritance.

Submissions (2):

Ambry Genetics
Classification: Uncertain significance for Cardiovascular phenotype. Last evaluated: 2025-08-26. Review status: criteria provided, single submitter. Criteria: Ambry Variant Classification Scheme 2023. Collection method: clinical testing. Allele origin: germline.
Comment: The p.N635S variant (also known as c.1904A>G), located in coding exon 7 of the KCNH2 gene, results from an A to G substitution at nucleotide position 1904. The asparagine at codon 635 is replaced by serine, an amino acid with highly similar properties. This variant was reported in individual(s) with features consistent with long QT syndrome (Walsh R et al. Genet Med, 2021 Jan;23:47-58; Ambry internal data). This amino acid position is highly conserved in available vertebrate species. In addition, the in silico prediction for this alteration is inconclusive. Based on the available evidence, the clinical significance of this variant remains unclear.

Labcorp Genetics (formerly Invitae), Labcorp
Classification: Uncertain significance for Long QT syndrome. Last evaluated: 2025-07-29. Review status: criteria provided, single submitter. Criteria: Invitae Variant Classification Sherloc (09022015). Collection method: clinical testing. Allele origin: germline.
Comment: This sequence change replaces asparagine, which is neutral and polar, with serine, which is neutral and polar, at codon 635 of the KCNH2 protein (p.Asn635Ser). This variant is not present in population databases (gnomAD no frequency). This variant has not been reported in the literature in individuals affected with KCNH2-related conditions. ClinVar contains an entry for this variant (Variation ID: 200393). An algorithm developed to predict the effect of missense changes on protein structure and function (PolyPhen-2) suggests that this variant is likely to be disruptive. In summary, the available evidence is currently insufficient to determine the role of this variant in disease. Therefore, it has been classified as a Variant of Uncertain Significance.

Literature cited by the submitters: PubMed 32893267 (cited by Ambry Genetics).

NM_000238.4(KCNH2):c.1904A>G (p.Asn635Ser)

Gene: KCNH2 (potassium voltage-gated channel subfamily H member 2; minus strand). Cytogenetic location: 7q36.1.
Variant type: single nucleotide variant.
Coding change: c.1904A>G on transcript NM_000238.4 (MANE Select); coding-DNA position 1904, A replaced by G.
Protein change: p.Asn635Ser; replaces asparagine 635 with serine.
Molecular consequence: missense variant.
Genome position (GRCh38, 1-based): chr7:150,951,489, T>C on the plus strand (A>G on the coding strand, the complement: KCNH2 is on the minus strand). VCF-style: chr7-150951489-T-C. GRCh37 (hg19) VCF-style: chr7-150648577-T-C.
Other names: c.884A>G, p.Asn295Ser (NM_001204798.2, NM_172057.3); c.1616A>G, p.Asn539Ser (NM_001406753.1, NM_001406756.1); c.1727A>G, p.Asn576Ser (NM_001406755.1); c.1604A>G, p.Asn535Ser (NM_001406757.1); c.1904A>G, p.Asn635Ser (NM_172056.3); short protein forms N295S, N635S, N539S, N576S, N535S.
Identifiers: ClinVar variation 200393 (VCV000200393.10), dbSNP rs199472964, ClinGen allele CA005934.